The following is an entry in ClinVar:

NM_001365276.2(TNXB):c.9535C>T (p.Pro3179Ser)

Gene: TNXB (tenascin XB; minus strand). Cytogenetic location: 6p21.33.
Variant type: single nucleotide variant.
Coding change: c.9535C>T on transcript NM_001365276.2 (MANE Select); coding-DNA position 9535, C replaced by T.
Protein change: p.Pro3179Ser; replaces proline 3179 with serine.
Molecular consequence: missense variant.
Genome position (GRCh38, 1-based): chr6:32,049,492, G>A on the plus strand (C>T on the coding strand, the complement: TNXB is on the minus strand). VCF-style: chr6-32049492-G-A. GRCh37 (hg19) VCF-style: chr6-32017269-G-A.
Other names: c.9529C>T, p.Pro3177Ser (NM_019105.8); short protein forms P3177S, P3179S.
Identifiers: ClinVar variation 1767268 (VCV001767268.2), dbSNP rs897496931, ClinGen allele CA136900661.

ClinVar aggregate classification (germline): Uncertain significance (1 of 4 stars; one submission).

Conditions:
Cardiovascular phenotype. Identifiers: MedGen CN230736.

Allele frequency attached by ClinVar (database versions not stated): TOPMed 0.00001.

Submission:

Ambry Genetics
Classification: Uncertain significance for Cardiovascular phenotype. Last evaluated: 2021-07-15. Review status: criteria provided, single submitter. Criteria: Ambry Variant Classification Scheme 2023. Collection method: clinical testing. Allele origin: germline.
Comment: The p.P3177S variant (also known as c.9529C>T), located in coding exon 27 of the TNXB gene, results from a C to T substitution at nucleotide position 9529. The proline at codon 3177 is replaced by serine, an amino acid with similar properties. This amino acid position is conserved. In addition, this alteration is predicted to be tolerated by in silico analysis. Since supporting evidence is limited at this time, the clinical significance of this alteration remains unclear.